The following is an entry in ClinVar:

ClinVar aggregate classification (germline): Uncertain significance. Review status: criteria provided, multiple submitters, no conflicts (2 of 4 stars). 2 submissions from 2 submitters: Uncertain significance (2). Last evaluated 2022-11-22.

Conditions:
Intellectual developmental disorder, autosomal dominant 43. Also called: Intellectual disability, autosomal dominant 43. Identifiers: MedGen C4707429, MONDO:0014858, OMIM 616977.

Submissions (2):

Labcorp Genetics (formerly Invitae), Labcorp
Classification: Uncertain significance. Last evaluated: 2022-11-22. Review status: criteria provided, single submitter. Criteria: Invitae Variant Classification Sherloc (09022015). Collection method: clinical testing. Allele origin: germline.
Comment: In summary, the available evidence is currently insufficient to determine the role of this variant in disease. Therefore, it has been classified as a Variant of Uncertain Significance. Experimental studies and prediction algorithms are not available or were not evaluated, and the functional significance of this variant is currently unknown. ClinVar contains an entry for this variant (Variation ID: 1333953). This variant has not been reported in the literature in individuals affected with HIVEP2-related conditions. Information on the frequency of this variant in the gnomAD database is not available, as this variant may be reported differently in the database. This sequence change replaces alanine, which is neutral and non-polar, with threonine, which is neutral and polar, at codon 1272 of the HIVEP2 protein (p.Ala1272Thr).

CENTOGENE GmbH and LLC - Guiding Precision Medicine
Classification: Uncertain significance for Intellectual developmental disorder, autosomal dominant 43. Last evaluated: 2019-03-20. Review status: criteria provided, single submitter. Criteria: ACMG Guidelines, 2015. Collection method: clinical testing. Allele origin: germline. Affected: yes.

NM_006734.4(HIVEP2):c.3813_3814inv (p.Ala1272Thr)

Gene: HIVEP2 (HIVEP zinc finger 2; minus strand). Cytogenetic location: 6q24.2.
Variant type: Inversion.
Coding change: c.3813_3814inv on transcript NM_006734.4 (MANE Select).
Protein change: p.Ala1272Thr; replaces alanine 1272 with threonine.
Molecular consequence: missense variant.
Genome position: GRCh38 VCF-style: chr6-142770925-CA-TG. GRCh37 (hg19) VCF-style: chr6-143092062-CA-TG.
Other names: short protein forms A1272T.
Identifiers: ClinVar variation 1333953 (VCV001333953.6), ClinGen allele CA2573052611.